The following is an entry in ClinVar:

NM_005006.7(NDUFS1):c.2092+9T>C

Gene: NDUFS1 (NADH:ubiquinone oxidoreductase core subunit S1; minus strand). Cytogenetic location: 2q33.3.
Variant type: single nucleotide variant.
Coding change: c.2092+9T>C on transcript NM_005006.7 (MANE Select); 9 bases into the intron after coding-DNA position 2092, T replaced by C.
Molecular consequence: intron variant.
Genome position (GRCh38, 1-based): chr2:206,126,530, A>G on the plus strand (T>C on the coding strand, the complement: NDUFS1 is on the minus strand). VCF-style: chr2-206126530-A-G. GRCh37 (hg19) VCF-style: chr2-206991254-A-G.
Other names: c.1759+9T>C (NM_001199982.2); c.1921+9T>C (NM_001199983.2); c.1984+9T>C (NM_001199981.2); c.2134+9T>C (NM_001199984.2).
Identifiers: ClinVar variation 1030870 (VCV001030870.1), dbSNP rs1173129542, ClinGen allele CA539388337.

ClinVar aggregate classification (germline): Uncertain significance (1 of 4 stars; one submission).

Conditions:
Mitochondrial complex I deficiency, nuclear type 1. Also called: NADH-COENZYME Q REDUCTASE DEFICIENCY; MITOCHONDRIAL NADH DEHYDROGENASE COMPONENT OF COMPLEX I, DEFICIENCY OF. Identifiers: MedGen C6022305, MONDO:0100224, OMIM 252010.

Allele frequency attached by ClinVar (database versions not stated): gnomAD exomes below 0.00001; TOPMed below 0.00001; gnomAD 0.00001.
gnomAD v4.1: 7 of 1,613,378 alleles (0.00043%); highest among the groups gnomAD compares: African/African-American, 0.0013%; no homozygotes.

Submission:

Baylor Genetics
Classification: Uncertain significance for Mitochondrial complex I deficiency, nuclear type 1. Last evaluated: 2019-01-16. Review status: criteria provided, single submitter. Criteria: ACMG Guidelines, 2015. Collection method: clinical testing. Allele origin: unknown. Affected: yes.
Comment: This variant was determined to be of uncertain significance according to ACMG Guidelines, 2015 [PMID:25741868].